The following is an entry in ClinVar:

ClinVar aggregate classification (germline): Conflicting classifications of pathogenicity. Review status: criteria provided, conflicting classifications (1 of 4 stars). 4 submissions from 4 submitters: Likely pathogenic (1); Uncertain significance (3). Last evaluated 2024-05-15.

Conditions:
SCN1A-related disorder. Also called: SCN1A-related conditions; SCN1A-related condition; SCN1A-related disorders.
Early-infantile DEE. Also called: Early infantile epileptic encephalopathy with suppression bursts; Ohtahara syndrome; Early infantile epileptic encephalopathy. Identifiers: Orphanet 1934, MedGen C0393706, MONDO:0800491.

Submissions (4):

Blueprint Genetics
Classification: Likely pathogenic for SCN1A-related disorders. Last evaluated: 2024-05-15. Review status: criteria provided, single submitter. Criteria: ACMG Guidelines, 2015. Collection method: clinical testing. Allele origin: de novo. Affected: yes. Observed: 3 variant alleles.

Labcorp Genetics (formerly Invitae), Labcorp
Classification: Uncertain significance for Early-infantile DEE. Last evaluated: 2022-06-04. Review status: criteria provided, single submitter. Criteria: Invitae Variant Classification Sherloc (09022015). Collection method: clinical testing. Allele origin: germline.
Comment: Algorithms developed to predict the effect of missense changes on protein structure and function are either unavailable or do not agree on the potential impact of this missense change (SIFT: "Tolerated"; PolyPhen-2: "Probably Damaging"; Align-GVGD: "Class C0"). ClinVar contains an entry for this variant (Variation ID: 93636). This variant has not been reported in the literature in individuals affected with SCN1A-related conditions. This variant is not present in population databases (gnomAD no frequency). This sequence change replaces valine, which is neutral and non-polar, with methionine, which is neutral and non-polar, at codon 650 of the SCN1A protein (p.Val650Met). Algorithms developed to predict the effect of sequence changes on RNA splicing suggest that this variant may disrupt the consensus splice site. In summary, the available evidence is currently insufficient to determine the role of this variant in disease. Therefore, it has been classified as a Variant of Uncertain Significance.

GeneDx
Classification: Uncertain significance. Last evaluated: 2017-08-23. Review status: criteria provided, single submitter. Criteria: GeneDx Variant Classification (06012015). Collection method: clinical testing. Allele origin: germline. Affected: yes.
Comment: A variant of uncertain significance has been identified in the SCN1A gene. The V650M variant has not been published as a pathogenic variant, nor has it been reported as a benign variant to our knowledge. The V650M variant is not observed in large population cohorts (Lek et al., 2016; 1000 Genomes Consortium et al., 2015; Exome Variant Server). This substitution occurs at a position that is conserved in mammals, and is predicted to be within the cytoplasmic loop between the first and second homologous domains. However, the V650M variant is a conservative amino acid substitution, which is not likely to impact secondary protein structure as these residues share similar properties. In silico analysis is inconsistent in its predictions as to whether or not the variant is damaging to the protein structure/function. Therefore, based on the currently available information, it is unclear whether this variant is a pathogenic variant or a rare benign variant.

Eurofins Ntd Llc (ga)
Classification: Uncertain significance. Last evaluated: 2013-06-04. Review status: criteria provided, single submitter. Criteria: EGL Classification Definitions 2015. Collection method: clinical testing. Allele origin: germline. Observed: 1 variant allele, 1 heterozygote.

NM_001165963.4(SCN1A):c.1948G>A (p.Val650Met)

Gene: SCN1A (sodium voltage-gated channel alpha subunit 1; minus strand). Cytogenetic location: 2q24.3.
Variant type: single nucleotide variant.
Coding change: c.1948G>A on transcript NM_001165963.4 (MANE Select); coding-DNA position 1948, G replaced by A.
Protein change: p.Val650Met; replaces valine 650 with methionine.
Molecular consequence: missense variant. On other transcripts: 5 prime UTR variant (1), non-coding transcript variant (1).
Genome position (GRCh38, 1-based): chr2:166,043,764, C>T on the plus strand (G>A on the coding strand, the complement: SCN1A is on the minus strand). VCF-style: chr2-166043764-C-T. GRCh37 (hg19) VCF-style: chr2-166900274-C-T.
Other names: c.1948G>A, p.Val650Met (NM_001165964.3, NM_001202435.3, NM_001353948.2 and 7 more transcripts); c.1945G>A, p.Val649Met (NM_001353954.2, NM_001353955.2, NM_001353960.2); c.-478G>A (NM_001353961.2); short protein forms V650M, V649M.
Identifiers: ClinVar variation 93636 (VCV000093636.16), dbSNP rs398123586, ClinGen allele CA221568.